The following is an entry in ClinVar:

ClinVar aggregate classification (germline): Uncertain significance. Review status: criteria provided, multiple submitters, no conflicts (2 of 4 stars). 3 submissions from 3 submitters: Uncertain significance (3). Last evaluated 2025-06-27.

Conditions:
Familial thoracic aortic aneurysm and aortic dissection (TAAD). Also called: Thoracic aortic aneurysms and dissections. Identifiers: Orphanet 91387, MedGen C4707243, MONDO:0019625.
Hereditary cancer-predisposing syndrome. Also called: Hereditary neoplastic syndrome; Neoplastic Syndromes, Hereditary; Tumor predisposition; Hereditary Cancer Syndrome. Identifiers: Orphanet 140162, MedGen C0027672, MeSH D009386, MONDO:0015356.
Juvenile polyposis syndrome (JPS). Identifiers: Orphanet 2929, MedGen C0345893, MONDO:0017380, OMIM 174900.

Allele frequency attached by ClinVar (database versions not stated): gnomAD exomes below 0.00001; ExAC 0.00001; gnomAD 0.00001.
gnomAD v4.1: 5 of 1,614,026 alleles (0.00031%); highest among the groups gnomAD compares: African/African-American, 0.0013%; no homozygotes.

Submissions (3):

Labcorp Genetics (formerly Invitae), Labcorp
Classification: Uncertain significance for Juvenile polyposis syndrome. Last evaluated: 2025-06-27. Review status: criteria provided, single submitter. Criteria: Invitae Variant Classification Sherloc (09022015). Collection method: clinical testing. Allele origin: germline.
Comment: This sequence change replaces proline, which is neutral and non-polar, with leucine, which is neutral and non-polar, at codon 511 of the SMAD4 protein (p.Pro511Leu). This variant is present in population databases (rs773367516, gnomAD 0.01%). This variant has not been reported in the literature in individuals affected with SMAD4-related conditions. ClinVar contains an entry for this variant (Variation ID: 484809). Invitae Evidence Modeling of protein sequence and biophysical properties (such as structural, functional, and spatial information, amino acid conservation, physicochemical variation, residue mobility, and thermodynamic stability) has been performed for this missense variant. However, the output from this modeling did not meet the statistical confidence thresholds required to predict the impact of this variant on SMAD4 protein function. In summary, the available evidence is currently insufficient to determine the role of this variant in disease. Therefore, it has been classified as a Variant of Uncertain Significance.

Ambry Genetics
Classification: Uncertain significance for Hereditary cancer-predisposing syndrome; Familial thoracic aortic aneurysm and aortic dissection. Last evaluated: 2024-07-05. Review status: criteria provided, single submitter. Criteria: Ambry Variant Classification Scheme 2023. Collection method: clinical testing. Allele origin: germline.
Comment: The p.P511L variant (also known as c.1532C>T), located in coding exon 11 of the SMAD4 gene, results from a C to T substitution at nucleotide position 1532. The proline at codon 511 is replaced by leucine, an amino acid with similar properties. This amino acid position is highly conserved in available vertebrate species. In addition, this alteration is predicted to be deleterious by in silico analysis. Based on the available evidence, the clinical significance of this variant remains unclear.

Color Diagnostics, LLC DBA Color Health
Classification: Uncertain significance for Hereditary cancer-predisposing syndrome. Last evaluated: 2020-11-17. Review status: criteria provided, single submitter. Criteria: ACMG Guidelines, 2015. Collection method: clinical testing. Allele origin: germline.
Comment: This missense variant replaces proline with leucine at codon 511 of the SMAD4 protein. Computational prediction suggests that this variant may have deleterious impact on protein structure and function (internally defined REVEL score threshold >= 0.7, PMID: 27666373). To our knowledge, functional studies have not been reported for this variant. This variant has not been reported in individuals affected with hereditary cancer in the literature. This variant has been identified in 1/31396 chromosomes in the general population by the Genome Aggregation Database (gnomAD). The available evidence is insufficient to determine the role of this variant in disease conclusively. Therefore, this variant is classified as a Variant of Uncertain Significance.

NM_005359.6(SMAD4):c.1532C>T (p.Pro511Leu)

Gene: SMAD4 (SMAD family member 4; plus strand). Cytogenetic location: 18q21.2.
Variant type: single nucleotide variant.
Coding change: c.1532C>T on transcript NM_005359.6 (MANE Select); coding-DNA position 1532, C replaced by T.
Protein change: p.Pro511Leu; replaces proline 511 with leucine.
Molecular consequence: missense variant.
Genome position (GRCh38, 1-based): chr18:51,078,340, C>T. VCF-style: chr18-51078340-C-T. GRCh37 (hg19) VCF-style: chr18-48604710-C-T.
Other names: short protein forms P511L.
Identifiers: ClinVar variation 484809 (VCV000484809.17), dbSNP rs773367516, ClinGen allele CA8966103.